The following is an entry in ClinVar:

ClinVar aggregate classification (germline): Uncertain significance (1 of 4 stars; one submission).

Conditions:
Neuroblastoma, susceptibility to, 3. Also called: ALK-Related Neuroblastic Tumor Susceptibility. Identifiers: Orphanet 635, MedGen C2751681, MONDO:0013083, OMIM 613014.

Submission:

Labcorp Genetics (formerly Invitae), Labcorp
Classification: Uncertain significance for Neuroblastoma, susceptibility to, 3. Last evaluated: 2024-12-08. Review status: criteria provided, single submitter. Criteria: Invitae Variant Classification Sherloc (09022015). Collection method: clinical testing. Allele origin: germline.
Comment: This sequence change creates a premature translational stop signal (p.Leu7Cysfs*74) in the ALK gene. It is expected to result in an absent or disrupted protein product. However, the current clinical and genetic evidence is not sufficient to establish whether loss-of-function variants in ALK cause disease. This variant is present in population databases (rs770612152, gnomAD 0.004%). This variant has not been reported in the literature in individuals affected with ALK-related conditions. ClinVar contains an entry for this variant (Variation ID: 2050349). In summary, the available evidence is currently insufficient to determine the role of this variant in disease. Therefore, it has been classified as a Variant of Uncertain Significance.

NM_004304.5(ALK):c.19del (p.Leu7fs)

Gene: ALK (ALK receptor tyrosine kinase; minus strand). Cytogenetic location: 2p23.1.
Variant type: Deletion.
Coding change: c.19del on transcript NM_004304.5 (MANE Select); coding-DNA position 19, one base deleted (C; older notation c.19delC).
Protein change: p.Leu7fs; shifts the reading frame from leucine 7.
Molecular consequence: frameshift variant.
Genome position (GRCh38, 1-based): chr2:29,920,641, G deleted on the plus strand (C on the coding strand, the reverse complement: ALK is on the minus strand); the first of 2 consecutive G bases (chr2:29,920,641-29,920,642); deleting either gives the same sequence. VCF-style (leftmost placement, unchanged base first): chr2-29920640-AG-A. GRCh37 (hg19) VCF-style: chr2-30143506-AG-A.
Other names: short protein forms L7fs.
Identifiers: ClinVar variation 2050349 (VCV002050349.4), dbSNP rs770612152, ClinGen allele CA1595075.